The following is an entry in ClinVar:

NM_015559.3(SETBP1):c.2631C>A (p.Ser877Arg)

Gene: SETBP1 (SET binding protein 1; plus strand). Cytogenetic location: 18q12.3.
Variant type: single nucleotide variant.
Coding change: c.2631C>A on transcript NM_015559.3 (MANE Select); coding-DNA position 2631, C replaced by A.
Protein change: p.Ser877Arg; replaces serine 877 with arginine.
Molecular consequence: missense variant.
Genome position (GRCh38, 1-based): chr18:44,951,971, C>A. VCF-style: chr18-44951971-C-A. GRCh37 (hg19) VCF-style: chr18-42531936-C-A.
Other names: c.2631C>A, p.Ser877Arg (NM_001379141.1, NM_001379142.1, NM_001410862.1); short protein forms S877R.
Identifiers: ClinVar variation 3652435 (VCV003652435.2).

ClinVar aggregate classification (germline): Pathogenic (1 of 4 stars; one submission).

Submission:

Labcorp Genetics (formerly Invitae), Labcorp
Classification: Pathogenic. Last evaluated: 2024-05-06. Review status: criteria provided, single submitter. Criteria: Invitae Variant Classification Sherloc (09022015). Collection method: clinical testing. Allele origin: germline.
Comment: This sequence change replaces serine, which is neutral and polar, with arginine, which is basic and polar, at codon 877 of the SETBP1 protein (p.Ser877Arg). This variant is not present in population databases (gnomAD no frequency). This missense change has been observed in individual(s) with SETBP1-related conditions (PMID: 35873028, 36161179). In at least one individual the variant was observed to be de novo. Advanced modeling of protein sequence and biophysical properties (such as structural, functional, and spatial information, amino acid conservation, physicochemical variation, residue mobility, and thermodynamic stability) performed at Invitae indicates that this missense variant is expected to disrupt SETBP1 protein function with a positive predictive value of 80%. For these reasons, this variant has been classified as Pathogenic.

Literature cited by the submitters: PubMed 35873028; PubMed 36161179.